The following is an entry in ClinVar:

ClinVar aggregate classification (germline): Uncertain significance (1 of 4 stars; one submission).

Conditions:
Hereditary diffuse gastric adenocarcinoma (HDGC). Also called: DIFFUSE GASTRIC AND LOBULAR BREAST CANCER SYNDROME. Identifiers: Orphanet 26106, MedGen C1708349, MONDO:0007648, OMIM 137215.

Submission:

Labcorp Genetics (formerly Invitae), Labcorp
Classification: Uncertain significance for Hereditary diffuse gastric adenocarcinoma. Last evaluated: 2022-06-13. Review status: criteria provided, single submitter. Criteria: Invitae Variant Classification Sherloc (09022015). Collection method: clinical testing. Allele origin: germline.
Comment: This sequence change replaces asparagine, which is neutral and polar, with lysine, which is basic and polar, at codon 809 of the CDH1 protein (p.Asn809Lys). This variant is not present in population databases (gnomAD no frequency). This variant has not been reported in the literature in individuals affected with CDH1-related conditions. Algorithms developed to predict the effect of missense changes on protein structure and function are either unavailable or do not agree on the potential impact of this missense change (SIFT: "Deleterious"; PolyPhen-2: "Probably Damaging"; Align-GVGD: "Class C0"). In summary, the available evidence is currently insufficient to determine the role of this variant in disease. Therefore, it has been classified as a Variant of Uncertain Significance.

NM_004360.5(CDH1):c.2427T>G (p.Asn809Lys)

Gene: CDH1 (cadherin 1; plus strand). Cytogenetic location: 16q22.1.
Variant type: single nucleotide variant.
Coding change: c.2427T>G on transcript NM_004360.5 (MANE Select); coding-DNA position 2427, T replaced by G.
Protein change: p.Asn809Lys; replaces asparagine 809 with lysine.
Molecular consequence: missense variant.
Genome position (GRCh38, 1-based): chr16:68,829,785, T>G. VCF-style: chr16-68829785-T-G. GRCh37 (hg19) VCF-style: chr16-68863688-T-G.
Other names: c.2244T>G, p.Asn748Lys (NM_001317184.2); c.879T>G, p.Asn293Lys (NM_001317185.2); c.462T>G, p.Asn154Lys (NM_001317186.2); short protein forms N154K, N293K, N748K, N809K.
Identifiers: ClinVar variation 1428957 (VCV001428957.8), dbSNP rs772173832, ClinGen allele CA396471339.